The following is an entry in ClinVar:

ClinVar aggregate classification (germline): Likely benign. Review status: criteria provided, single submitter (1 of 4 stars). 2 submissions from 2 submitters: Likely benign (1). 1 of the submissions does not count toward it.

Allele frequency attached by ClinVar (database versions not stated): TOPMed 0.00688; gnomAD 0.00768 and 0.00829; 1000 Genomes Project 30x 0.00781; ESP Exome Variant Server 0.00794; 1000 Genomes Project 0.00859; gnomAD exomes 0.01145 and 0.01183; ExAC 0.01188.
gnomAD v4.1: 18,095 of 1,613,760 alleles (1.1%); highest among the groups gnomAD compares: South Asian, 3.1%; 200 homozygotes.

Submissions (2):

Breakthrough Genomics
Classification: Likely benign. Review status: criteria provided, single submitter. Criteria: ACMG Guidelines, 2015. Collection method: not provided. Allele origin: germline. Inheritance: Unknown mechanism. Affected: yes.

Department of Pathology and Laboratory Medicine, Sinai Health System
Classification: Likely benign. Review status: no assertion criteria provided. Collection method: clinical testing. Allele origin: unknown. Affected: yes. Study: The Canadian Open Genetics Repository (COGR). Not counted in ClinVar's aggregate classification.
Comment: The PTPN13 p.Gly289Ser variant was not identified in the literature nor was it identified in ClinVar or Cosmic. The variant was identified in dbSNP (ID: rs61730646) and in LOVD 3.0. The variant was also identified in control databases in 3181 of 279970 chromosomes (34 homozygous) at a frequency of 0.011362 increasing the likelihood this could be a low frequency benign variant (Genome Aggregation Database Feb 27, 2017). The variant was observed in the following populations: Ashkenazi Jewish in 413 of 10322 chromosomes (freq: 0.04001), South Asian in 909 of 30584 chromosomes (freq: 0.02972), European (Finnish) in 354 of 25022 chromosomes (freq: 0.01415), Other in 80 of 7126 chromosomes (freq: 0.01123), European (non-Finnish) in 1283 of 127946 chromosomes (freq: 0.01003), Latino in 110 of 35332 chromosomes (freq: 0.003113) and African in 32 of 24134 chromosomes (freq: 0.001326), while the variant was not observed in the East Asian population. The p.Gly289 residue is not conserved in mammals and computational analyses (PolyPhen-2, SIFT, AlignGVGD, BLOSUM, MutationTaster) do not suggest a high likelihood of impact to the protein; however, this information is not predictive enough to rule out pathogenicity. The variant occurs outside of the splicing consensus sequence and in silico or computational prediction software programs (SpliceSiteFinder, MaxEntScan, NNSPLICE, GeneSplicer) do not predict a difference in splicing. In summary, based on the above information the clinical significance of this variant cannot be determined with certainty at this time although we would lean towards a more benign role for this variant. This variant is classified as likely benign.

NM_080683.3(PTPN13):c.865G>A (p.Gly289Ser)

Gene: PTPN13 (protein tyrosine phosphatase non-receptor type 13; plus strand). Cytogenetic location: 4q21.3.
Variant type: single nucleotide variant.
Coding change: c.865G>A on transcript NM_080683.3 (MANE Select); coding-DNA position 865, G replaced by A.
Protein change: p.Gly289Ser; replaces glycine 289 with serine.
Molecular consequence: missense variant.
Genome position (GRCh38, 1-based): chr4:86,701,471, G>A. VCF-style: chr4-86701471-G-A. GRCh37 (hg19) VCF-style: chr4-87622624-G-A.
Other names: c.865G>A, p.Gly289Ser (NM_006264.3, NM_080684.3, NM_080685.3); short protein forms G289S.
Identifiers: ClinVar variation 1049259 (VCV001049259.2), dbSNP rs61730646, ClinGen allele CA2995540.
Genomic context (GRCh38, chr4:86,701,471, plus strand): 5'-GAAAATACATTCTCCCCTTACCAGTTCAAAACTAGTGGCCCAGAAAAAAAACCCATCCCT[G>A]GCATTGATGTGCTTTCTAAGAAGAAGATCTGGGCTTCATCCATGGACTTGCTTTGTACAG-3'
Protein context (NP_542414.1, residues 279-299): TSGPEKKPIP[Gly289Ser]IDVLSKKKIW